The following is an entry in ClinVar:

NM_023110.3(FGFR1):c.2126T>C (p.Leu709Pro)

Gene: FGFR1 (fibroblast growth factor receptor 1; minus strand). Cytogenetic location: 8p11.23.
Variant type: single nucleotide variant.
Coding change: c.2126T>C on transcript NM_023110.3 (MANE Select); coding-DNA position 2126, T replaced by C.
Protein change: p.Leu709Pro; replaces leucine 709 with proline.
Molecular consequence: missense variant.
Genome position (GRCh38, 1-based): chr8:38,414,212, A>G on the plus strand (T>C on the coding strand, the complement: FGFR1 is on the minus strand). VCF-style: chr8-38414212-A-G. GRCh37 (hg19) VCF-style: chr8-38271730-A-G.
Other names: c.2120T>C, p.Leu707Pro (NM_001174063.2, NM_001174065.2, NM_001354367.2 and 1 more transcripts); c.2096T>C, p.Leu699Pro (NM_001174064.2); c.1859T>C, p.Leu620Pro (NM_001174066.2, NM_023105.3); c.2219T>C, p.Leu740Pro (NM_001174067.2); c.1847T>C, p.Leu616Pro (NM_001354368.2); c.2114T>C, p.Leu705Pro (NM_001354369.2, NM_001410922.1); c.1853T>C, p.Leu618Pro (NM_001354370.2, NM_023106.3); short protein forms L699P, L740P, L616P, L618P, L705P, L707P, L709P, L620P.
Identifiers: ClinVar variation 4782778 (VCV004782778.1).

ClinVar aggregate classification (germline): Uncertain significance (1 of 4 stars; one submission).

Conditions:
Hypogonadotropic hypogonadism 2 with or without anosmia (HH2). Also called: HYPOGONADOTROPIC HYPOGONADISM 2 WITHOUT ANOSMIA; HYPOGONADOTROPIC HYPOGONADISM 2 WITH OR WITHOUT ANOSMIA, SUSCEPTIBILITY TO; HYPOGONADOTROPIC HYPOGONADISM 2 WITHOUT ANOSMIA, SUSCEPTIBILITY TO; FGFR1-Related GnRH Deficiency (Kallmann Syndrome 2). Identifiers: Orphanet 478, MedGen C1563720, MONDO:0007844, OMIM 147950. Disease mechanism: loss of function.
Pfeiffer syndrome (ACS5). Also called: ACS V. Identifiers: Orphanet 710, MedGen C0220658, MONDO:0007043, OMIM 101600.

Submission:

Labcorp Genetics (formerly Invitae), Labcorp
Classification: Uncertain significance for Pfeiffer syndrome; Hypogonadotropic hypogonadism 2 with or without anosmia. Last evaluated: 2025-08-17. Review status: criteria provided, single submitter. Criteria: Invitae Variant Classification Sherloc (09022015). Collection method: clinical testing. Allele origin: germline.
Comment: This sequence change replaces leucine, which is neutral and non-polar, with proline, which is neutral and non-polar, at codon 709 of the FGFR1 protein (p.Leu709Pro). This variant is not present in population databases (gnomAD no frequency). This variant has not been reported in the literature in individuals affected with FGFR1-related conditions. Invitae Evidence Modeling of protein sequence and biophysical properties (such as structural, functional, and spatial information, amino acid conservation, physicochemical variation, residue mobility, and thermodynamic stability) indicates that this missense variant is expected to disrupt FGFR1 protein function with a positive predictive value of 80%. In summary, the available evidence is currently insufficient to determine the role of this variant in disease. Therefore, it has been classified as a Variant of Uncertain Significance.